The following is an entry in ClinVar:

ClinVar aggregate classification (germline): Uncertain significance. Review status: criteria provided, multiple submitters, no conflicts (2 of 4 stars). 2 submissions from 2 submitters: Uncertain significance (2). Last evaluated 2024-02-26.

Conditions:
Complement component 7 deficiency (C7D). Also called: C7 DEFICIENCY. Identifiers: MedGen C1864694, MONDO:0012412, OMIM 610102.

Allele frequency attached by ClinVar (database versions not stated): ExAC 0.00002; gnomAD 0.00002.
gnomAD v4.1: 15 of 1,612,270 alleles (0.00093%); highest among the groups gnomAD compares: African/African-American, 0.0027%; no homozygotes.

Submissions (2):

Fulgent Genetics
Classification: Uncertain significance for Complement component 7 deficiency. Last evaluated: 2024-02-26. Review status: criteria provided, single submitter. Criteria: ACMG Guidelines, 2015. Collection method: clinical testing. Allele origin: germline.

Labcorp Genetics (formerly Invitae), Labcorp
Classification: Uncertain significance. Last evaluated: 2021-10-14. Review status: criteria provided, single submitter. Criteria: Invitae Variant Classification Sherloc (09022015). Collection method: clinical testing. Allele origin: germline.
Comment: This sequence change replaces glycine with alanine at codon 379 of the C7 protein (p.Gly379Ala). The glycine residue is highly conserved and there is a small physicochemical difference between glycine and alanine. This variant is present in population databases (rs773461229, ExAC 0.003%). This variant has not been reported in the literature in individuals affected with C7-related conditions. Algorithms developed to predict the effect of missense changes on protein structure and function are either unavailable or do not agree on the potential impact of this missense change (SIFT: "Tolerated"; PolyPhen-2: "Probably Damaging"; Align-GVGD: "Class C0"). This variant disrupts the p.Gly379 amino acid residue in C7. Other variant(s) that disrupt this residue have been determined to be pathogenic (PMID: 9218625, 12869030, 15554930). This suggests that this residue is clinically significant, and that variants that disrupt this residue are likely to be disease-causing. In summary, the available evidence is currently insufficient to determine the role of this variant in disease. Therefore, it has been classified as a Variant of Uncertain Significance.

Literature cited by the submitters: PubMed 9218625 (cited by Labcorp Genetics (formerly Invitae), Labcorp); PubMed 12869030 (cited by Labcorp Genetics (formerly Invitae), Labcorp); PubMed 15554930 (cited by Labcorp Genetics (formerly Invitae), Labcorp).

NM_000587.4(C7):c.1136G>C (p.Gly379Ala)

Gene: C7 (complement C7; plus strand). Cytogenetic location: 5p13.1.
Variant type: single nucleotide variant.
Coding change: c.1136G>C on transcript NM_000587.4 (MANE Select); coding-DNA position 1136, G replaced by C.
Protein change: p.Gly379Ala; replaces glycine 379 with alanine.
Molecular consequence: missense variant.
Genome position (GRCh38, 1-based): chr5:40,955,429, G>C. VCF-style: chr5-40955429-G-C. GRCh37 (hg19) VCF-style: chr5-40955531-G-C.
Other names: short protein forms G379A.
Identifiers: ClinVar variation 1360430 (VCV001360430.6), dbSNP rs773461229, ClinGen allele CA3249873.